The following is an entry in ClinVar:

ClinVar aggregate classification (germline): Likely pathogenic (1 of 4 stars; one submission).

Conditions:
Capillary malformation-arteriovenous malformation syndrome. Also called: Capillary malformation-arteriovenous malformation. Identifiers: Orphanet 137667, MedGen C1842180, MONDO:0012016.

Submission:

Labcorp Genetics (formerly Invitae), Labcorp
Classification: Likely pathogenic for Capillary malformation-arteriovenous malformation syndrome. Last evaluated: 2024-06-17. Review status: criteria provided, single submitter. Criteria: Invitae Variant Classification Sherloc (09022015). Collection method: clinical testing. Allele origin: germline.
Comment: This variant results in the deletion of part of exon 3 (c.693-6_711del ) of the RASA1 gene. It is expected to disrupt RNA splicing. Variants that disrupt the donor or acceptor splice site typically lead to a loss of protein function (PMID: 16199547), and loss-of-function variants in RASA1 are known to be pathogenic (PMID: 24038909). This variant is not present in population databases (gnomAD no frequency). This variant has been observed in individual(s) with clinical features of RASA1-related conditions (Invitae). ClinVar contains an entry for this variant (Variation ID: 856732). In summary, the currently available evidence indicates that the variant is pathogenic, but additional data are needed to prove that conclusively. Therefore, this variant has been classified as Likely Pathogenic.

Literature cited by the submitters: PubMed 16199547; PubMed 24038909.

NM_002890.3(RASA1):c.693-6_711del

Genes: CCNH (cyclin H; minus strand), RASA1 (RAS p21 protein activator 1; plus strand). Cytogenetic location: 5q14.3.
Variant type: Deletion.
Coding change: c.693-6_711del on transcript NM_002890.3 (MANE Select); 6 bases into the intron before coding-DNA position 693 through coding-DNA position 711, 25 bases deleted (AAATAGGATTATTGCTATGTGTGGA).
Molecular consequence: splice acceptor variant. On other transcripts: intron variant (1).
Genome position (GRCh38, 1-based): chr5:87,332,501-87,332,525, AAATAGGATTATTGCTATGTGTGGA deleted. VCF-style (leftmost placement, unchanged base first): chr5-87332500-CAAATAGGATTATTGCTATGTGTGGA-C. GRCh37 (hg19) VCF-style: chr5-86628317-CAAATAGGATTATTGCTATGTGTGGA-C.
Other names: c.162-6_180del (NM_022650.3); c.934-19730_934-19706del (NM_001364075.2).
Identifiers: ClinVar variation 856732 (VCV000856732.8), dbSNP rs1757676761, ClinGen allele CA916082734.